The following is an entry in ClinVar:

ClinVar aggregate classification (germline): Uncertain significance (1 of 4 stars; one submission).

Conditions:
Familial thoracic aortic aneurysm and aortic dissection (TAAD). Also called: Thoracic aortic aneurysms and dissections. Identifiers: Orphanet 91387, MedGen C4707243, MONDO:0019625.

Submission:

All of Us Research Program, National Institutes of Health
Classification: Uncertain significance for Familial thoracic aortic aneurysm and aortic dissection. Last evaluated: 2023-08-28. Review status: criteria provided, single submitter. Criteria: ACMG Guidelines, 2015. Collection method: clinical testing. Allele origin: germline. Inheritance: Autosomal dominant inheritance. Observed: 1 variant allele, 1 heterozygote.
Comment: This missense variant replaces alanine with valine at codon 99 of the MYH11 protein. Computational prediction suggests that this variant may have deleterious impact on protein structure and function (internally defined REVEL score threshold >= 0.7, PMID: 27666373). To our knowledge, functional studies have not been reported for this variant. This variant has not been reported in individuals affected with MYH11-related disorders in the literature. This variant has not been identified in the general population by the Genome Aggregation Database (gnomAD). The available evidence is insufficient to determine the role of this variant in disease conclusively. Therefore, this variant is classified as a Variant of Uncertain Significance.

This study involves interpretation of variants in research participants for the purpose of population health screening. Participant phenotype was not available at the time of variant classification. Additional details can be found in publication PMID: 35346344, PMCID: PMC8962531

NM_002474.3(MYH11):c.296C>T (p.Ala99Val)

Gene: MYH11 (myosin heavy chain 11; minus strand). Cytogenetic location: 16p13.11.
Variant type: single nucleotide variant.
Coding change: c.296C>T on transcript NM_002474.3 (MANE Select); coding-DNA position 296, C replaced by T.
Protein change: p.Ala99Val; replaces alanine 99 with valine.
Molecular consequence: missense variant.
Genome position (GRCh38, 1-based): chr16:15,837,957, G>A on the plus strand (C>T on the coding strand, the complement: MYH11 is on the minus strand). VCF-style: chr16-15837957-G-A. GRCh37 (hg19) VCF-style: chr16-15931814-G-A.
Other names: c.296C>T, p.Ala99Val (NM_001040113.2, NM_001040114.2, NM_022844.3); short protein forms A99V.
Identifiers: ClinVar variation 3073253 (VCV003073253.1), dbSNP rs2507036235, ClinGen allele CA395198238.